The following is an entry in ClinVar:

NM_001377299.1(NDUFS2):c.90del (p.Ser31fs)

Genes: NDUFS2 (NADH:ubiquinone oxidoreductase core subunit S2; plus strand), LOC129931761 (ATAC-STARR-seq lymphoblastoid active region 1985; plus strand). Cytogenetic location: 1q23.3.
Variant type: Deletion.
Coding change: c.90del on transcript NM_001377299.1 (MANE Select); coding-DNA position 90, one base deleted (C; older notation c.90delC).
Protein change: p.Ser31fs; shifts the reading frame from serine 31.
Molecular consequence: frameshift variant. On other transcripts: non-coding transcript variant (1).
Genome position (GRCh38, 1-based): chr1:161,202,475, C deleted; the last of 3 consecutive C bases (chr1:161,202,473-161,202,475); deleting any one gives the same sequence. VCF-style (leftmost placement, unchanged base first): chr1-161202472-GC-G. GRCh37 (hg19) VCF-style: chr1-161172262-GC-G.
Other names: c.90del, p.Ser31fs (NM_001166159.2, NM_001377298.1, NM_001377300.1 and 4 more transcripts); short protein forms S31fs.
Identifiers: ClinVar variation 4714351 (VCV004714351.1).

ClinVar aggregate classification (germline): Pathogenic (1 of 4 stars; one submission).

Submission:

Labcorp Genetics (formerly Invitae), Labcorp
Classification: Pathogenic. Last evaluated: 2025-03-04. Review status: criteria provided, single submitter. Criteria: Invitae Variant Classification Sherloc (09022015). Collection method: clinical testing. Allele origin: germline.
Comment: This sequence change creates a premature translational stop signal (p.Ser31Alafs*47) in the NDUFS2 gene. It is expected to result in an absent or disrupted protein product. Loss-of-function variants in NDUFS2 are known to be pathogenic (PMID: 20818383, 31411514). This variant is not present in population databases (gnomAD no frequency). This variant has not been reported in the literature in individuals affected with NDUFS2-related conditions. For these reasons, this variant has been classified as Pathogenic.

Literature cited by the submitters: PubMed 20818383; PubMed 31411514.